The following is an entry in ClinVar:

ClinVar aggregate classification (germline): Uncertain significance. Review status: criteria provided, multiple submitters, no conflicts (2 of 4 stars). 3 submissions from 3 submitters: Uncertain significance (3). Last evaluated 2025-03-10.

Conditions:
Inborn genetic diseases. Identifiers: MedGen C0950123, MeSH D030342.
Tay-Sachs disease, variant AB. Also called: Gm2-gangliosidosis, ab variant; GM2 Activator Deficiency. Identifiers: Orphanet 309246, MedGen C0268275, MONDO:0010099, OMIM 272750.

Allele frequency attached by ClinVar (database versions not stated): gnomAD 0.00001 and 0.00002; gnomAD exomes 0.00002 and 0.00005; TOPMed 0.00004; ExAC 0.00007; 1000 Genomes Project 30x 0.00016; 1000 Genomes Project 0.00020.
gnomAD v4.1: 30 of 1,613,960 alleles (0.0019%); highest among the groups gnomAD compares: East Asian, 0.029%; no homozygotes.

Submissions (3):

Labcorp Genetics (formerly Invitae), Labcorp
Classification: Uncertain significance for Tay-Sachs disease, variant AB. Last evaluated: 2025-03-10. Review status: criteria provided, single submitter. Criteria: Invitae Variant Classification Sherloc (09022015). Collection method: clinical testing. Allele origin: germline.
Comment: This sequence change replaces methionine, which is neutral and non-polar, with leucine, which is neutral and non-polar, at codon 5 of the GM2A protein (p.Met5Leu). This variant is present in population databases (rs557461469, gnomAD 0.06%). This variant has not been reported in the literature in individuals affected with GM2A-related conditions. ClinVar contains an entry for this variant (Variation ID: 904953). An algorithm developed to predict the effect of missense changes on protein structure and function outputs the following: PolyPhen-2: "Not Available". The leucine amino acid residue is found in multiple mammalian species, which suggests that this missense change does not adversely affect protein function. In summary, the available evidence is currently insufficient to determine the role of this variant in disease. Therefore, it has been classified as a Variant of Uncertain Significance.

Ambry Genetics
Classification: Uncertain significance for Inborn genetic diseases. Last evaluated: 2025-02-19. Review status: criteria provided, single submitter. Criteria: Ambry Variant Classification Scheme 2023. Collection method: clinical testing. Allele origin: germline.

Illumina Laboratory Services, Illumina
Classification: Uncertain significance for Tay-Sachs disease, variant AB. Last evaluated: 2018-01-15. Review status: criteria provided, single submitter. Criteria: ICSL Variant Classification Criteria 13 December 2019. Collection method: clinical testing. Allele origin: germline.

NM_000405.5(GM2A):c.13A>T (p.Met5Leu)

Gene: GM2A (ganglioside GM2 activator; plus strand). Cytogenetic location: 5q33.1.
Variant type: single nucleotide variant.
Coding change: c.13A>T on transcript NM_000405.5 (MANE Select); coding-DNA position 13, A replaced by T.
Protein change: p.Met5Leu; replaces methionine 5 with leucine.
Molecular consequence: missense variant.
Genome position (GRCh38, 1-based): chr5:151,253,229, A>T. VCF-style: chr5-151253229-A-T. GRCh37 (hg19) VCF-style: chr5-150632790-A-T.
Other names: c.13A>T, p.Met5Leu (NM_001167607.3); short protein forms M5L.
Identifiers: ClinVar variation 904953 (VCV000904953.8), dbSNP rs557461469, ClinGen allele CA3517831.